The following is an entry in ClinVar:

NM_182961.4(SYNE1):c.23378G>T (p.Cys7793Phe)

Gene: SYNE1 (spectrin repeat containing nuclear envelope protein 1; minus strand). Cytogenetic location: 6q25.2.
Variant type: single nucleotide variant.
Coding change: c.23378G>T on transcript NM_182961.4 (MANE Select); coding-DNA position 23378, G replaced by T.
Protein change: p.Cys7793Phe; replaces cysteine 7793 with phenylalanine.
Molecular consequence: missense variant. On other transcripts: 5 prime UTR variant (1).
Genome position (GRCh38, 1-based): chr6:152,180,218, C>A on the plus strand (G>T on the coding strand, the complement: SYNE1 is on the minus strand). VCF-style: chr6-152180218-C-A. GRCh37 (hg19) VCF-style: chr6-152501353-C-A.
Other names: c.-17G>T (NM_001347701.2); c.23165G>T, p.Cys7722Phe (NM_033071.5); short protein forms C7793F, C7722F.
Identifiers: ClinVar variation 2949455 (VCV002949455.3), dbSNP rs1266673338, ClinGen allele CA366092009.

ClinVar aggregate classification (germline): Uncertain significance (1 of 4 stars; one submission).

Conditions:
Emery-Dreifuss muscular dystrophy 4, autosomal dominant (EDMD4). Also called: EMERY-DREIFUSS MUSCULAR DYSTROPHY 4 WITH VARIABLE FEATURES. Identifiers: Orphanet 261, MedGen C2751807, MONDO:0013071, OMIM 612998.
Autosomal recessive ataxia, Beauce type. Also called: SYNE1-Related Autosomal Recessive Cerebellar Ataxia; SYNE1 Deficiency; Spinocerebellar ataxia, autosomal recessive 8; ATAXIA, RECESSIVE, OF BEAUCE. Identifiers: Orphanet 88644, MedGen C1853116, MONDO:0012549, OMIM 610743.

Submission:

Labcorp Genetics (formerly Invitae), Labcorp
Classification: Uncertain significance for Emery-Dreifuss muscular dystrophy 4, autosomal dominant; Autosomal recessive ataxia, Beauce type. Last evaluated: 2023-06-29. Review status: criteria provided, single submitter. Criteria: Invitae Variant Classification Sherloc (09022015). Collection method: clinical testing. Allele origin: germline.
Comment: In summary, the available evidence is currently insufficient to determine the role of this variant in disease. Therefore, it has been classified as a Variant of Uncertain Significance. An algorithm developed to predict the effect of missense changes on protein structure and function (PolyPhen-2) suggests that this variant is likely to be disruptive. This variant has not been reported in the literature in individuals affected with SYNE1-related conditions. This variant is not present in population databases (gnomAD no frequency). This sequence change replaces cysteine, which is neutral and slightly polar, with phenylalanine, which is neutral and non-polar, at codon 7722 of the SYNE1 protein (p.Cys7722Phe).